The following is an entry in ClinVar:

NM_004736.4(XPR1):c.1239G>T (p.Met413Ile)

Gene: XPR1 (xenotropic and polytropic retrovirus receptor 1; plus strand). Cytogenetic location: 1q25.3.
Variant type: single nucleotide variant.
Coding change: c.1239G>T on transcript NM_004736.4 (MANE Select); coding-DNA position 1239, G replaced by T.
Protein change: p.Met413Ile; replaces methionine 413 with isoleucine.
Molecular consequence: missense variant.
Genome position (GRCh38, 1-based): chr1:180,834,978, G>T. VCF-style: chr1-180834978-G-T. GRCh37 (hg19) VCF-style: chr1-180804114-G-T.
Other names: c.1239G>T, p.Met413Ile (NM_001135669.2, NM_001328662.2); short protein forms M413I.
Identifiers: ClinVar variation 3661160 (VCV003661160.2).

ClinVar aggregate classification (germline): Uncertain significance (1 of 4 stars; one submission).

Submission:

Labcorp Genetics (formerly Invitae), Labcorp
Classification: Uncertain significance. Last evaluated: 2024-08-07. Review status: criteria provided, single submitter. Criteria: Invitae Variant Classification Sherloc (09022015). Collection method: clinical testing. Allele origin: germline.
Comment: This sequence change replaces methionine, which is neutral and non-polar, with isoleucine, which is neutral and non-polar, at codon 413 of the XPR1 protein (p.Met413Ile). This variant is not present in population databases (gnomAD no frequency). This variant has not been reported in the literature in individuals affected with XPR1-related conditions. Advanced modeling of protein sequence and biophysical properties (such as structural, functional, and spatial information, amino acid conservation, physicochemical variation, residue mobility, and thermodynamic stability) performed at Invitae indicates that this missense variant is not expected to disrupt XPR1 protein function with a negative predictive value of 80%. In summary, the available evidence is currently insufficient to determine the role of this variant in disease. Therefore, it has been classified as a Variant of Uncertain Significance.